The following is an entry in ClinVar:

NM_004187.5(KDM5C):c.3668C>T (p.Pro1223Leu)

Gene: KDM5C (lysine demethylase 5C; minus strand). Cytogenetic location: Xp11.22.
Variant type: single nucleotide variant.
Coding change: c.3668C>T on transcript NM_004187.5 (MANE Select); coding-DNA position 3668, C replaced by T.
Protein change: p.Pro1223Leu; replaces proline 1223 with leucine.
Molecular consequence: missense variant. On other transcripts: non-coding transcript variant (3).
Genome position (GRCh38, 1-based): chrX:53,194,509, G>A on the plus strand (C>T on the coding strand, the complement: KDM5C is on the minus strand). VCF-style: chrX-53194509-G-A. GRCh37 (hg19) VCF-style: chrX-53223691-G-A.
Other names: c.3467C>T, p.Pro1156Leu (NM_001146702.2); c.3665C>T, p.Pro1222Leu (NM_001282622.3, NM_001353979.2, NM_001353982.2); c.3668C>T, p.Pro1223Leu (NM_001353978.3, NM_001353981.2, NM_001353984.2); short protein forms P1222L, P1156L, P1223L.
Identifiers: ClinVar variation 916370 (VCV000916370.49), dbSNP rs199817424, ClinGen allele CA10419195.
Genomic context (GRCh38, chrX:53,194,509, plus strand): 5'-AGGAATTTGGTGTCCCATTCCCACCAGGCCAGCAGTGGGGATGAGGTGGGATTGGGCCTC[G>A]GAGAGCTGAGGAGGCGAGGCACTGACACACACCGCCCATGGAACCAGTCCTGACACAGGT-3'
Protein context (NP_004178.2, residues 1213-1233): CVSVPRLLSS[Pro1223Leu]RPNPTSSPLL

ClinVar aggregate classification (germline): Uncertain significance. Review status: criteria provided, multiple submitters, no conflicts (2 of 4 stars). 3 submissions from 3 submitters: Uncertain significance (3). Last evaluated 2020-07-20.

Conditions:
Inborn genetic diseases. Identifiers: MedGen C0950123, MeSH D030342.
Spastic paraplegia. Identifiers: MedGen C0037772, HP:0001258.

Allele frequency attached by ClinVar (database versions not stated): ExAC below 0.00001; gnomAD exomes below 0.00001 and 0.00001; TOPMed 0.00001; gnomAD 0.00002; ESP Exome Variant Server 0.00009.
gnomAD v4.1: 5 of 1,209,584 alleles (0.00041%); highest among the groups gnomAD compares: Admixed American, 0.0044%; no homozygotes.

Submissions (3):

Labcorp Genetics (formerly Invitae), Labcorp
Classification: Uncertain significance for Spastic paraplegia. Last evaluated: 2020-07-20. Review status: criteria provided, single submitter. Criteria: Invitae Variant Classification Sherloc (09022015). Collection method: clinical testing. Allele origin: germline.
Comment: In summary, the available evidence is currently insufficient to determine the role of this variant in disease. Therefore, it has been classified as a Variant of Uncertain Significance. Advanced modeling of protein sequence and biophysical properties (such as structural, functional, and spatial information, amino acid conservation, physicochemical variation, residue mobility, and thermodynamic stability) performed at Invitae indicates that this missense variant is not expected to disrupt KDM5C protein function. This variant has not been reported in the literature in individuals with KDM5C-related conditions. The frequency data for this variant in the population databases is considered unreliable, as metrics indicate poor data quality at this position in the ExAC database. This sequence change replaces proline with leucine at codon 1223 of the KDM5C protein (p.Pro1223Leu). The proline residue is weakly conserved and there is a moderate physicochemical difference between proline and leucine.

CeGaT Center for Human Genetics Tuebingen
Classification: Uncertain significance. Last evaluated: 2020-04-01. Review status: criteria provided, single submitter. Criteria: CeGaT Center For Human Genetics Tuebingen Variant Classification Criteria Version 2. Collection method: clinical testing. Allele origin: germline. Affected: yes. Observed: 4 variant alleles.

Ambry Genetics
Classification: Uncertain significance for Inborn genetic diseases. Last evaluated: 2019-05-28. Review status: criteria provided, single submitter. Criteria: Ambry Variant Classification Scheme 2023. Collection method: clinical testing. Allele origin: germline.
Comment: The p.P1223L variant (also known as c.3668C>T), located in coding exon 23 of the KDM5C gene, results from a C to T substitution at nucleotide position 3668. The proline at codon 1223 is replaced by leucine, an amino acid with similar properties. This amino acid position is not well conserved in available vertebrate species, and leucine is the reference amino acid in other vertebrate species. In addition, this alteration is predicted to be tolerated by in silico analysis. Since supporting evidence is limited at this time, the clinical significance of this alteration remains unclear.